The following is an entry in ClinVar:

NM_000639.3(FASLG):c.301A>G (p.Met101Val)

Gene: FASLG (Fas ligand; plus strand). Cytogenetic location: 1q24.3.
Variant type: single nucleotide variant.
Coding change: c.301A>G on transcript NM_000639.3 (MANE Select); coding-DNA position 301, A replaced by G.
Protein change: p.Met101Val; replaces methionine 101 with valine.
Molecular consequence: missense variant.
Genome position (GRCh38, 1-based): chr1:172,659,502, A>G. VCF-style: chr1-172659502-A-G. GRCh37 (hg19) VCF-style: chr1-172628642-A-G.
Other names: c.301A>G, p.Met101Val (NM_001302746.2); short protein forms M101V.
Identifiers: ClinVar variation 960109 (VCV000960109.6), dbSNP rs747496936, ClinGen allele CA1247496.

ClinVar aggregate classification (germline): Uncertain significance. Review status: criteria provided, multiple submitters, no conflicts (2 of 4 stars). 3 submissions from 3 submitters: Uncertain significance (3). Last evaluated 2026-06-10.

Conditions:
FASLG-related disorder. Also called: FASLG-related condition.
Autoimmune lymphoproliferative syndrome type 1. Also called: AUTOIMMUNE LYMPHOPROLIFERATIVE SYNDROME, TYPE I, AUTOSOMAL DOMINANT. Identifiers: Orphanet 3261, MedGen C2717884, MONDO:0011158, OMIM 601859.

Allele frequency attached by ClinVar (database versions not stated): gnomAD 0.00001; TOPMed 0.00001.

Submissions (3):

PreventionGenetics, part of Exact Sciences
Classification: Uncertain significance for FASLG-related condition. Last evaluated: 2026-06-10. Review status: criteria provided, single submitter. Criteria: ACMG Guidelines, 2015. Collection method: clinical testing. Allele origin: germline.
Comment: The FASLG c.301A>G variant is predicted to result in the amino acid substitution p.Met101Val. To our knowledge, this variant has not been reported in the literature. This variant is reported in 0.0039% of alleles in individuals of European (Non-Finnish) descent in gnomAD. At this time, the clinical significance of this variant is uncertain due to the absence of conclusive functional and genetic evidence.

Labcorp Genetics (formerly Invitae), Labcorp
Classification: Uncertain significance for Autoimmune lymphoproliferative syndrome. Last evaluated: 2022-08-22. Review status: criteria provided, single submitter. Criteria: Invitae Variant Classification Sherloc (09022015). Collection method: clinical testing. Allele origin: germline.
Comment: This sequence change replaces methionine, which is neutral and non-polar, with valine, which is neutral and non-polar, at codon 101 of the FASLG protein (p.Met101Val). This variant is present in population databases (rs747496936, gnomAD 0.006%). This variant has not been reported in the literature in individuals affected with FASLG-related conditions. ClinVar contains an entry for this variant (Variation ID: 960109). Algorithms developed to predict the effect of missense changes on protein structure and function (SIFT, PolyPhen-2, Align-GVGD) all suggest that this variant is likely to be tolerated. In summary, the available evidence is currently insufficient to determine the role of this variant in disease. Therefore, it has been classified as a Variant of Uncertain Significance.

Blueprint Genetics
Classification: Uncertain significance. Last evaluated: 2020-09-18. Review status: criteria provided, single submitter. Criteria: ACMG Guidelines, 2015. Collection method: clinical testing. Allele origin: germline.